The following is an entry in ClinVar:

ClinVar aggregate classification (germline): Conflicting classifications of pathogenicity. Review status: criteria provided, conflicting classifications (1 of 4 stars). 3 submissions from 3 submitters: Likely pathogenic (1); Uncertain significance (2). Last evaluated 2023-08-14.

Conditions:
TJP2-related disorder. Also called: TJP2-related condition.

Allele frequency attached by ClinVar (database versions not stated): gnomAD exomes below 0.00001 and 0.00001; TOPMed below 0.00001.
gnomAD v4.1: 6 of 1,614,134 alleles (0.00037%); highest among the groups gnomAD compares: Non-Finnish European, 0.00051%; no homozygotes.

Submissions (3):

PreventionGenetics, part of Exact Sciences
Classification: Likely pathogenic for TJP2-related condition. Last evaluated: 2023-08-14. Review status: criteria provided, single submitter. Criteria: ACMG Guidelines, 2015. Collection method: clinical testing. Allele origin: germline.
Comment: The TJP2 c.1202A>G variant is predicted to result in the amino acid substitution p.Glu401Gly. This variant was reported in the compound heterozygous state in an individual with progressive familial intrahepatic cholestasis (Table 1, Tang et al. 2021. PubMed ID: 34504838). In vitro studies showed this variant increased the expression and nuclear localization of the TJP2 protein and resulted in increased cell proliferation compared to control (Figure 1, Tang et al. 2021. PubMed ID: 34504838). This variant is reported in 0.00088% of alleles in individuals of European (Non-Finnish) descent in gnomAD. This variant is interpreted as likely pathogenic.

Blueprint Genetics
Classification: Uncertain significance. Last evaluated: 2023-03-23. Review status: criteria provided, single submitter. Criteria: ACMG Guidelines, 2015. Collection method: clinical testing. Allele origin: germline.

Labcorp Genetics (formerly Invitae), Labcorp
Classification: Uncertain significance. Last evaluated: 2021-12-14. Review status: criteria provided, single submitter. Criteria: Invitae Variant Classification Sherloc (09022015). Collection method: clinical testing. Allele origin: germline.
Comment: This sequence change replaces glutamic acid, which is acidic and polar, with glycine, which is neutral and non-polar, at codon 401 of the TJP2 protein (p.Glu401Gly). This variant is present in population databases (no rsID available, gnomAD 0.0009%). This variant has not been reported in the literature in individuals affected with TJP2-related conditions. Algorithms developed to predict the effect of missense changes on protein structure and function are either unavailable or do not agree on the potential impact of this missense change (SIFT: "Tolerated"; PolyPhen-2: "Possibly Damaging"; Align-GVGD: "Class C0"). In summary, the available evidence is currently insufficient to determine the role of this variant in disease. Therefore, it has been classified as a Variant of Uncertain Significance.

NM_004817.4(TJP2):c.1202A>G (p.Glu401Gly)

Gene: TJP2 (tight junction protein 2; plus strand). Cytogenetic location: 9q21.11.
Variant type: single nucleotide variant.
Coding change: c.1202A>G on transcript NM_004817.4 (MANE Select); coding-DNA position 1202, A replaced by G.
Protein change: p.Glu401Gly; replaces glutamic acid 401 with glycine.
Molecular consequence: missense variant.
Genome position (GRCh38, 1-based): chr9:69,226,167, A>G. VCF-style: chr9-69226167-A-G. GRCh37 (hg19) VCF-style: chr9-71841083-A-G.
Other names: c.1202A>G, p.Glu401Gly (LRG_1201t1, NM_001369872.1, NM_001369873.1 and 1 more transcripts); c.1133A>G, p.Glu378Gly (NM_001170414.2, NM_001369870.1, NM_001369871.1); c.1214A>G, p.Glu405Gly (NM_001170415.1, NM_001369874.1, NM_001369875.1); c.1295A>G, p.Glu432Gly (NM_001170416.2); short protein forms E401G, E432G, E378G, E405G.
Identifiers: ClinVar variation 1395279 (VCV001395279.7), dbSNP rs1057515614, ClinGen allele CA10627503.